The following is an entry in ClinVar:

ClinVar aggregate classification (germline): Uncertain significance. Review status: criteria provided, multiple submitters, no conflicts (2 of 4 stars). 2 submissions from 2 submitters: Uncertain significance (2). Last evaluated 2021-08-20.

Conditions:
Microcephalic osteodysplastic primordial dwarfism type II (MOPD2). Also called: Microcephalic osteodysplastic primordial dwarfism with tooth abnormalities; MOPD II; OSTEODYSPLASTIC PRIMORDIAL DWARFISM, TYPE II. Identifiers: Orphanet 2637, MedGen C0432246, MONDO:0008872, OMIM 210720.

Allele frequency attached by ClinVar (database versions not stated): gnomAD exomes below 0.00001 and 0.00001; TOPMed below 0.00001; ExAC 0.00001.
gnomAD v4.1: 5 of 1,613,984 alleles (0.00031%); highest among the groups gnomAD compares: South Asian, 0.0055%; no homozygotes.

Submissions (2):

Labcorp Genetics (formerly Invitae), Labcorp
Classification: Uncertain significance. Last evaluated: 2021-08-20. Review status: criteria provided, single submitter. Criteria: Invitae Variant Classification Sherloc (09022015). Collection method: clinical testing. Allele origin: germline.
Comment: This sequence change replaces alanine with threonine at codon 893 of the PCNT protein (p.Ala893Thr). The alanine residue is weakly conserved and there is a small physicochemical difference between alanine and threonine. This variant is present in population databases (rs776133593, ExAC 0.01%). This variant has not been reported in the literature in individuals affected with PCNT-related conditions. ClinVar contains an entry for this variant (Variation ID: 340479). Algorithms developed to predict the effect of missense changes on protein structure and function output the following: SIFT: "Tolerated"; PolyPhen-2: "Benign"; Align-GVGD: "Class C0". The threonine amino acid residue is found in multiple mammalian species, which suggests that this missense change does not adversely affect protein function. In summary, the available evidence is currently insufficient to determine the role of this variant in disease. Therefore, it has been classified as a Variant of Uncertain Significance.

Illumina Laboratory Services, Illumina
Classification: Uncertain significance for Microcephalic osteodysplastic primordial dwarfism type II. Last evaluated: 2018-01-12. Review status: criteria provided, single submitter. Criteria: ICSL Variant Classification Criteria 13 December 2019. Collection method: clinical testing. Allele origin: germline.

NM_006031.6(PCNT):c.2677G>A (p.Ala893Thr)

Gene: PCNT (pericentrin; plus strand). Cytogenetic location: 21q22.3.
Variant type: single nucleotide variant.
Coding change: c.2677G>A on transcript NM_006031.6 (MANE Select); coding-DNA position 2677, G replaced by A.
Protein change: p.Ala893Thr; replaces alanine 893 with threonine.
Molecular consequence: missense variant.
Genome position (GRCh38, 1-based): chr21:46,366,651, G>A. VCF-style: chr21-46366651-G-A. GRCh37 (hg19) VCF-style: chr21-47786566-G-A.
Other names: c.2323G>A, p.Ala775Thr (NM_001315529.2); short protein forms A893T, A775T.
Identifiers: ClinVar variation 340479 (VCV000340479.9), dbSNP rs776133593, ClinGen allele CA10079068.